The following is an entry in ClinVar:

ClinVar aggregate classification (germline): Benign/Likely benign. Review status: criteria provided, multiple submitters, no conflicts (2 of 4 stars). 3 submissions from 3 submitters: Benign (2); Likely benign (1). Last evaluated 2022-10-01.

Allele frequency attached by ClinVar (database versions not stated): 1000 Genomes Project 30x 0.00234; gnomAD 0.00346 and 0.00353; gnomAD exomes 0.00346; ESP Exome Variant Server 0.00354; TOPMed 0.00363; 1000 Genomes Project 0.00220.
gnomAD v4.1: 7,579 of 1,612,730 alleles (0.47%); highest among the groups gnomAD compares: Non-Finnish European, 0.57%; 39 homozygotes.

Submissions (3):

CeGaT Center for Human Genetics Tuebingen
Classification: Likely benign. Last evaluated: 2022-10-01. Review status: criteria provided, single submitter. Criteria: CeGaT Center For Human Genetics Tuebingen Variant Classification Criteria Version 2. Collection method: clinical testing. Allele origin: germline. Affected: yes. Observed: 2 variant alleles.
Comment: BSN: BP4, BP7

Labcorp Genetics (formerly Invitae), Labcorp
Classification: Benign. Last evaluated: 2018-07-26. Review status: criteria provided, single submitter. Criteria: Invitae Variant Classification Sherloc (09022015). Collection method: clinical testing. Allele origin: germline.

Breakthrough Genomics
Classification: Benign. Review status: criteria provided, single submitter. Criteria: ACMG Guidelines, 2015. Collection method: not provided. Allele origin: germline. Inheritance: Unknown mechanism. Affected: yes.

NM_003458.4(BSN):c.9246C>T (p.Thr3082=)

Gene: BSN (bassoon presynaptic cytomatrix protein; plus strand). Cytogenetic location: 3p21.31.
Variant type: single nucleotide variant.
Coding change: c.9246C>T on transcript NM_003458.4 (MANE Select); coding-DNA position 9246, C replaced by T.
Protein change: p.Thr3082=; no amino-acid change (threonine 3082 retained).
Molecular consequence: synonymous variant.
Genome position (GRCh38, 1-based): chr3:49,661,091, C>T. VCF-style: chr3-49661091-C-T. GRCh37 (hg19) VCF-style: chr3-49698524-C-T.
Identifiers: ClinVar variation 790978 (VCV000790978.28), dbSNP rs148698248, ClinGen allele CA2401023.